The following is an entry in ClinVar:

ClinVar aggregate classification (germline): Conflicting classifications of pathogenicity. Review status: criteria provided, conflicting classifications (1 of 4 stars). 24 submissions from 20 submitters: Uncertain significance (4); Benign (6); Likely benign (9). 5 of the submissions do not count toward it. Last evaluated 2026-09-01.

Conditions:
Cardiovascular phenotype. Identifiers: MedGen CN230736.
TTN-related disorder. Also called: TTN-related disorders; TTN-related condition; TTN-related disease.
Autosomal recessive limb-girdle muscular dystrophy type 2J (LGMDR10). Also called: Limb-girdle muscular dystrophy, type 2J; MUSCULAR DYSTROPHY, LIMB-GIRDLE, AUTOSOMAL RECESSIVE 10. Identifiers: Orphanet 140922, MedGen C1837342, MONDO:0012127, OMIM 608807.
Dilated cardiomyopathy 1G (CMD1G). Identifiers: Orphanet 154, MedGen C1858763, MONDO:0011400, OMIM 604145.
Cardiomyopathy (CMYO). Also called: Cardiomyopathies. Identifiers: Orphanet 167848, MedGen C0878544, MONDO:0004994, HP:0001638. Inheritance: Various modes of inheritance.
Myopathy, myofibrillar, 9, with early respiratory failure (MFM9). Also called: Myopathy, distal, with early respiratory failure, autosomal dominant; EDSTROM MYOPATHY; MYOPATHY, PROXIMAL, WITH EARLY RESPIRATORY MUSCLE INVOLVEMENT; Hereditary myopathy with early respiratory failure. Identifiers: Orphanet 178464, Orphanet 34521, MedGen C1863599, MONDO:0011362, OMIM 603689.
Early-onset myopathy with fatal cardiomyopathy (CMYO5). Also called: Salih Myopathy; CONGENITAL MYOPATHY 5 WITH CARDIOMYOPATHY. Identifiers: Orphanet 289377, MedGen C2673677, MONDO:0012714, OMIM 611705. Disease mechanism: loss of function.
Tibial muscular dystrophy (TMD). Also called: Udd Distal Myopathy – Tibial Muscular Dystrophy; UDD MYOPATHY; Tibial muscular dystrophy, tardive. Identifiers: Orphanet 609, MedGen C1838244, MONDO:0010870, OMIM 600334.

Allele frequency attached by ClinVar (database versions not stated): ESP Exome Variant Server 0.00025; TOPMed 0.00036; gnomAD 0.00040; ExAC 0.00046; gnomAD exomes 0.00047.
gnomAD v4.1: 934 of 1,612,318 alleles (0.058%); highest among the groups gnomAD compares: Middle Eastern, 0.13%; 1 homozygote.

Submissions (24):

CeGaT Center for Human Genetics Tuebingen
Classification: Likely benign. Last evaluated: 2026-09-01. Review status: criteria provided, single submitter. Criteria: CeGaT Center For Human Genetics Tuebingen Variant Classification Criteria Version 2. Collection method: clinical testing. Allele origin: germline. Affected: yes. Observed: 8 variant alleles.
Comment: TTN: PM2:Supporting, BS2

Mayo Clinic Laboratories, Mayo Clinic
Classification: Likely benign. Last evaluated: 2025-06-24. Review status: criteria provided, single submitter. Criteria: ACMG Guidelines, 2015. Collection method: clinical testing. Allele origin: germline. Observed: 2 variant alleles.

Molecular Diagnostic Laboratory for Inherited Cardiovascular Disease, Montreal Heart Institute
Classification: Likely benign. Last evaluated: 2025-04-09. Review status: criteria provided, single submitter. Criteria: ACMG Guidelines, 2015. Collection method: clinical testing. Allele origin: germline. Affected: no.

PreventionGenetics, part of Exact Sciences
Classification: Likely benign for TTN-related condition. Last evaluated: 2025-02-18. Review status: criteria provided, single submitter. Criteria: ACMG Guidelines, 2015. Collection method: clinical testing. Allele origin: germline.
Comment: This variant is classified as likely benign based on ACMG/AMP sequence variant interpretation guidelines (Richards et al. 2015 PMID: 25741868, with internal and published modifications).

Blueprint Genetics
Classification: Likely benign. Last evaluated: 2024-10-11. Review status: criteria provided, single submitter. Criteria: ACMG Guidelines, 2015. Collection method: clinical testing. Allele origin: germline.

Athena Diagnostics
Classification: Benign. Last evaluated: 2024-06-25. Review status: criteria provided, single submitter. Criteria: Athena Diagnostics Criteria. Collection method: clinical testing. Allele origin: unknown.

Women's Health and Genetics/Laboratory Corporation of America, LabCorp
Classification: Likely benign. Last evaluated: 2024-03-11. Review status: criteria provided, single submitter. Criteria: LabCorp Variant Classification Summary - May 2015. Collection method: clinical testing. Allele origin: germline.
Comment: Variant summary: TTN c.89834G>A (p.Arg29945His) results in a non-conservative amino acid change located in the A band region of the encoded protein sequence. Two of four in-silico tools predict a benign effect of the variant on protein function. The variant allele was found at a frequency of 0.00058 in 1612318 control chromosomes in the gnomAD database, including 1 homozygotes. The observed variant frequency is approximately 1.5 fold of the estimated maximal expected allele frequency for a pathogenic variant in TTN causing Dilated Cardiomyopathy phenotype (0.00039), strongly suggesting that the variant is benign. To our knowledge, no occurrence of c.89834G>A in individuals affected with Dilated Cardiomyopathy and no experimental evidence demonstrating its impact on protein function have been reported. ClinVar contains an entry for this variant (Variation ID: 192140). Based on the evidence outlined above, the variant was classified as likely benign.

Ambry Genetics
Classification: Benign for Cardiovascular phenotype. Last evaluated: 2020-08-10. Review status: criteria provided, single submitter. Criteria: Ambry Variant Classification Scheme 2023. Collection method: clinical testing. Allele origin: germline.

Laboratory for Molecular Medicine, Mass General Brigham Personalized Medicine
Classification: Benign. Last evaluated: 2019-10-24. Review status: criteria provided, single submitter. Criteria: LMM Criteria. Collection method: clinical testing. Allele origin: germline. Observed: 1 variant allele.
Comment: proposed classification - variant undergoing re-assessment, contact laboratory

Illumina Laboratory Services, Illumina
Classification: Uncertain significance for Dilated cardiomyopathy 1G. Last evaluated: 2018-01-12. Review status: criteria provided, single submitter. Criteria: ICSL Variant Classification Criteria 13 December 2019. Collection method: clinical testing. Allele origin: germline.

Illumina Laboratory Services, Illumina
Classification: Benign for Tibial muscular dystrophy. Last evaluated: 2018-01-12. Review status: criteria provided, single submitter. Criteria: ICSL Variant Classification Criteria 13 December 2019. Collection method: clinical testing. Allele origin: germline.
Comment: This variant was observed in the ICSL laboratory as part of a predisposition screen in an ostensibly healthy population. It had not been previously curated by ICSL or reported in the Human Gene Mutation Database (HGMD: prior to June 1st, 2018), and was therefore a candidate for classification through an automated scoring system. Utilizing variant allele frequency, disease prevalence and penetrance estimates, and inheritance mode, an automated score was calculated to assess if this variant is too frequent to cause the disease. Based on the score and internal cut-off values, a variant classified as benign is not then subjected to further curation. The score for this variant resulted in a classification of benign for this disease.

Illumina Laboratory Services, Illumina
Classification: Uncertain significance for Early-onset myopathy with fatal cardiomyopathy. Last evaluated: 2018-01-12. Review status: criteria provided, single submitter. Criteria: ICSL Variant Classification Criteria 13 December 2019. Collection method: clinical testing. Allele origin: germline.

Illumina Laboratory Services, Illumina
Classification: Benign for Myopathy, myofibrillar, 9, with early respiratory failure. Last evaluated: 2018-01-12. Review status: criteria provided, single submitter. Criteria: ICSL Variant Classification Criteria 13 December 2019. Collection method: clinical testing. Allele origin: germline.
Comment: the same text as in the submission from Illumina Laboratory Services, Illumina above.

Illumina Laboratory Services, Illumina
Classification: Uncertain significance for Autosomal recessive limb-girdle muscular dystrophy type 2J. Last evaluated: 2018-01-12. Review status: criteria provided, single submitter. Criteria: ICSL Variant Classification Criteria 13 December 2019. Collection method: clinical testing. Allele origin: germline.

GeneDx
Classification: Likely benign. Last evaluated: 2017-12-21. Review status: criteria provided, single submitter. Criteria: GeneDx Variant Classification (06012015). Collection method: clinical testing. Allele origin: germline. Affected: yes.
Comment: This variant is considered likely benign or benign based on one or more of the following criteria: it is a conservative change, it occurs at a poorly conserved position in the protein, it is predicted to be benign by multiple in silico algorithms, and/or has population frequency not consistent with disease.

Labcorp Genetics (formerly Invitae), Labcorp
Classification: Uncertain significance for Dilated cardiomyopathy 1G; Autosomal recessive limb-girdle muscular dystrophy type 2J. Last evaluated: 2017-12-07. Review status: criteria provided, single submitter. Criteria: Invitae Variant Classification Sherloc (09022015). Collection method: clinical testing. Allele origin: germline.

Eurofins Ntd Llc (ga)
Classification: Likely benign. Last evaluated: 2017-11-07. Review status: criteria provided, single submitter. Criteria: EGL Classification Definitions 2015. Collection method: clinical testing. Allele origin: germline. Observed: 5 variant alleles, 5 heterozygotes.

CHEO Genetics Diagnostic Laboratory, Children's Hospital of Eastern Ontario
Classification: Benign for Cardiomyopathy. Last evaluated: 2017-10-30. Review status: criteria provided, single submitter. Criteria: ACMG Guidelines, 2015. Collection method: clinical testing. Allele origin: germline. Study: Canadian Open Genetics Repository.

Biesecker Lab/Clinical Genomics Section, National Institutes of Health
Classification: Likely benign. Last evaluated: 2013-06-24. Review status: criteria provided, single submitter. Criteria: Ng et al. (Circ Cardiovasc Genet. 2013). Collection method: research. Allele origin: unknown. Observed: 2 variant alleles. Study: ClinSeq.
Comment: The study set was not selected for affection status in relation to any cancer. Pathogenicity categories were based on literature curation. See Pubmed ID:23861362 for details.

Medical sequencing

Clinical Genetics DNA and cytogenetics Diagnostics Lab, Erasmus MC, Erasmus Medical Center
Classification: Likely benign. Review status: no assertion criteria provided. Collection method: clinical testing. Allele origin: germline. Affected: yes. Study: VKGL Data-share Consensus. Not counted in ClinVar's aggregate classification.

Clinical Genetics, Academic Medical Center
Classification: Benign. Review status: no assertion criteria provided. Collection method: clinical testing. Allele origin: germline. Affected: yes. Study: VKGL Data-share Consensus. Not counted in ClinVar's aggregate classification.

Diagnostic Laboratory, Department of Genetics, University Medical Center Groningen
Classification: Likely benign. Review status: no assertion criteria provided. Collection method: clinical testing. Allele origin: germline. Affected: yes. Study: VKGL Data-share Consensus. Not counted in ClinVar's aggregate classification.

Genome Diagnostics Laboratory, University Medical Center Utrecht
Classification: Benign. Review status: no assertion criteria provided. Collection method: clinical testing. Allele origin: germline. Affected: yes. Study: VKGL Data-share Consensus. Not counted in ClinVar's aggregate classification.

Joint Genome Diagnostic Labs from Nijmegen and Maastricht, Radboudumc and MUMC+
Classification: Likely benign. Review status: no assertion criteria provided. Collection method: clinical testing. Allele origin: germline. Affected: yes. Study: VKGL Data-share Consensus. Not counted in ClinVar's aggregate classification.

Literature cited by the submitters: PubMed 37904629 (cited by Athena Diagnostics); PubMed 31088516 (cited by Athena Diagnostics); PubMed 29590070 (cited by Athena Diagnostics).

NM_001267550.2(TTN):c.97538G>A (p.Arg32513His)

Genes: TTN (titin; minus strand), TTN-AS1 (TTN antisense RNA 1; plus strand). Cytogenetic location: 2q31.2.
Variant type: single nucleotide variant.
Coding change: c.97538G>A on transcript NM_001267550.2 (MANE Select); coding-DNA position 97538, G replaced by A.
Protein change: p.Arg32513His; replaces arginine 32513 with histidine.
Molecular consequence: missense variant.
Genome position (GRCh38, 1-based): chr2:178,541,539, C>T on the plus strand (G>A on the coding strand, the complement: TTN is on the minus strand). VCF-style: chr2-178541539-C-T. GRCh37 (hg19) VCF-style: chr2-179406266-C-T.
Other names: p.R30872H:CGT>CAT; p.Arg30872His; c.70718G>A, p.Arg23573His (NM_133432.3); c.70919G>A, p.Arg23640His (NM_133437.4); c.92615G>A, p.Arg30872His (NM_001256850.1); c.70343G>A, p.Arg23448His (NM_003319.4); c.89834G>A, p.Arg29945His (NM_133378.4); short protein forms R29945H, R32513H, R30872H, R23448H, R23573H, R23640H.
Identifiers: ClinVar variation 192140 (VCV000192140.75), dbSNP rs201080904, ClinGen allele CA302598.